The following is an entry in ClinVar:

NM_003998.4(NFKB1):c.2637A>C (p.Gln879His)

Gene: NFKB1 (nuclear factor kappa B subunit 1; plus strand). Cytogenetic location: 4q24.
Variant type: single nucleotide variant.
Coding change: c.2637A>C on transcript NM_003998.4 (MANE Select); coding-DNA position 2637, A replaced by C.
Protein change: p.Gln879His; replaces glutamine 879 with histidine.
Molecular consequence: missense variant.
Genome position (GRCh38, 1-based): chr4:102,613,469, A>C. VCF-style: chr4-102613469-A-C. GRCh37 (hg19) VCF-style: chr4-103534626-A-C.
Other names: c.2637A>C (NM_003998.3); c.2634A>C, p.Gln878His (NM_001165412.2, NM_001319226.2, NM_001382627.1); c.2637A>C, p.Gln879His (NM_001382625.1, NM_001382626.1); c.2595A>C, p.Gln865His (NM_001382628.1); short protein forms Q865H, Q878H, Q879H.
Identifiers: ClinVar variation 1361937 (VCV001361937.7), dbSNP rs199668563, ClinGen allele CA3026490.
Genomic context (GRCh38, chr4:102,613,469, plus strand): 5'-CCTTTCTTTCTCACAGGTCTCTGGGGGTACAGTCAGAGAGCTGGTGGAGGCCCTGAGACA[A>C]ATGGGCTACACCGAAGCAATTGAAGTGATCCAGGCAGCCTCCAGCCCAGTGAAGACCACC-3'
Protein context (NP_003989.2, residues 869-889): TVRELVEALR[Gln879His]MGYTEAIEVI

ClinVar aggregate classification (germline): Uncertain significance. Review status: criteria provided, multiple submitters, no conflicts (2 of 4 stars). 2 submissions from 2 submitters: Uncertain significance (2). Last evaluated 2024-02-16.

Conditions:
Inborn genetic diseases. Identifiers: MedGen C0950123, MeSH D030342.

Allele frequency attached by ClinVar (database versions not stated): ExAC 0.00002; ESP Exome Variant Server 0.00008; 1000 Genomes Project 0.00020; 1000 Genomes Project 30x 0.00031.
gnomAD v4.1: 10 of 1,613,906 alleles (0.00062%); highest among the groups gnomAD compares: Non-Finnish European, 0.00085%; no homozygotes.

Submissions (2):

Labcorp Genetics (formerly Invitae), Labcorp
Classification: Uncertain significance. Last evaluated: 2024-02-16. Review status: criteria provided, single submitter. Criteria: Invitae Variant Classification Sherloc (09022015). Collection method: clinical testing. Allele origin: germline.
Comment: This sequence change replaces glutamine, which is neutral and polar, with histidine, which is basic and polar, at codon 879 of the NFKB1 protein (p.Gln879His). This variant is present in population databases (rs199668563, gnomAD 0.004%). This variant has not been reported in the literature in individuals affected with NFKB1-related conditions. ClinVar contains an entry for this variant (Variation ID: 1361937). Advanced modeling of protein sequence and biophysical properties (such as structural, functional, and spatial information, amino acid conservation, physicochemical variation, residue mobility, and thermodynamic stability) performed at Invitae indicates that this missense variant is not expected to disrupt NFKB1 protein function with a negative predictive value of 80%. In summary, the available evidence is currently insufficient to determine the role of this variant in disease. Therefore, it has been classified as a Variant of Uncertain Significance.

Ambry Genetics
Classification: Uncertain significance for Inborn genetic diseases. Last evaluated: 2022-10-06. Review status: criteria provided, single submitter. Criteria: Ambry Variant Classification Scheme 2023. Collection method: clinical testing. Allele origin: germline.